The following is an entry in ClinVar:

ClinVar aggregate classification (germline): Uncertain significance (1 of 4 stars; one submission).

Conditions:
Cone-rod dystrophy 13 (CORD13). Identifiers: Orphanet 1872, MedGen C2750720, MONDO:0011987, OMIM 608194.
Leber congenital amaurosis 6 (LCA6). Identifiers: Orphanet 65, MedGen C1854260, MONDO:0013446, OMIM 613826.

Allele frequency attached by ClinVar (database versions not stated): gnomAD exomes below 0.00001.
gnomAD v4.1: 1 of 1,612,502 alleles (0.000062%); highest among the groups gnomAD compares: African/African-American, 0.0013%; no homozygotes.

Submission:

Labcorp Genetics (formerly Invitae), Labcorp
Classification: Uncertain significance for Leber congenital amaurosis 6; Cone-rod dystrophy 13. Last evaluated: 2022-05-04. Review status: criteria provided, single submitter. Criteria: Invitae Variant Classification Sherloc (09022015). Collection method: clinical testing. Allele origin: germline.
Comment: In summary, the available evidence is currently insufficient to determine the role of this variant in disease. Therefore, it has been classified as a Variant of Uncertain Significance. Algorithms developed to predict the effect of missense changes on protein structure and function (SIFT, PolyPhen-2, Align-GVGD) all suggest that this variant is likely to be tolerated. This variant has not been reported in the literature in individuals affected with RPGRIP1-related conditions. This variant is not present in population databases (gnomAD no frequency). This sequence change replaces glutamic acid, which is acidic and polar, with glutamine, which is neutral and polar, at codon 93 of the RPGRIP1 protein (p.Glu93Gln).

NM_020366.4(RPGRIP1):c.277G>C (p.Glu93Gln)

Gene: RPGRIP1 (RPGR interacting protein 1; plus strand). Cytogenetic location: 14q11.2.
Variant type: single nucleotide variant.
Coding change: c.277G>C on transcript NM_020366.4 (MANE Select); coding-DNA position 277, G replaced by C.
Protein change: p.Glu93Gln; replaces glutamic acid 93 with glutamine.
Molecular consequence: missense variant.
Genome position (GRCh38, 1-based): chr14:21,301,024, G>C. VCF-style: chr14-21301024-G-C. GRCh37 (hg19) VCF-style: chr14-21769183-G-C.
Other names: short protein forms E93Q.
Identifiers: ClinVar variation 2127379 (VCV002127379.4), dbSNP rs2502705286, ClinGen allele CA388858600.
Genomic context (GRCh38, chr14:21,301,024, plus strand): 5'-AGGCTGAGGACCACCTTGCTGCGGTTGACCGCTGCTGGCCGGGACCTGCGGGTCGCGGAG[G>C]AGGCGGCGCCGCTCTCGGAGACCGCAAGGCGCGGGCAGAAGGCGGGATGGCGGCAGCGCC-3'
Protein context (NP_065099.3, residues 83-103): AAGRDLRVAE[Glu93Gln]AAPLSETARR